The following is an entry in ClinVar:

NM_000426.4(LAMA2):c.3258del (p.Gly1087fs)

Gene: LAMA2 (laminin subunit alpha 2; plus strand). Cytogenetic location: 6q22.33.
Variant type: Deletion.
Coding change: c.3258del on transcript NM_000426.4 (MANE Select); coding-DNA position 3258, one base deleted (T; older notation c.3258delT).
Protein change: p.Gly1087fs; shifts the reading frame from glycine 1087.
Molecular consequence: frameshift variant.
Genome position (GRCh38, 1-based): chr6:129,312,944, T deleted. VCF-style (leftmost placement, unchanged base first): chr6-129312943-CT-C. GRCh37 (hg19) VCF-style: chr6-129634088-CT-C.
Other names: c.3258del, p.Gly1087fs (NM_001079823.2); short protein forms G1087fs.
Identifiers: ClinVar variation 2031950 (VCV002031950.4), dbSNP rs2482399450, ClinGen allele CA2580074935.

ClinVar aggregate classification (germline): Pathogenic (1 of 4 stars; one submission).

Conditions:
LAMA2-related muscular dystrophy (LAMA2-RD). Also called: Laminin alpha 2-related dystrophy. Identifiers: MedGen C5679788, MONDO:0100228.

Allele frequency attached by ClinVar (database versions not stated): gnomAD exomes below 0.00001.

Submission:

Labcorp Genetics (formerly Invitae), Labcorp
Classification: Pathogenic for LAMA2-related muscular dystrophy. Last evaluated: 2022-09-22. Review status: criteria provided, single submitter. Criteria: Invitae Variant Classification Sherloc (09022015). Collection method: clinical testing. Allele origin: germline.
Comment: For these reasons, this variant has been classified as Pathogenic. This variant has not been reported in the literature in individuals affected with LAMA2-related conditions. This variant is not present in population databases (gnomAD no frequency). This sequence change creates a premature translational stop signal (p.Gly1087Valfs*52) in the LAMA2 gene. It is expected to result in an absent or disrupted protein product. Loss-of-function variants in LAMA2 are known to be pathogenic (PMID: 18700894, 32904964).

Literature cited by the submitters: PubMed 18700894; PubMed 32904964.